The following is an entry in ClinVar:

NM_032108.4(SEMA6B):c.1789A>G (p.Asn597Asp)

Gene: SEMA6B (semaphorin 6B; minus strand). Cytogenetic location: 19p13.3.
Variant type: single nucleotide variant.
Coding change: c.1789A>G on transcript NM_032108.4 (MANE Select); coding-DNA position 1789, A replaced by G.
Protein change: p.Asn597Asp; replaces asparagine 597 with aspartic acid.
Molecular consequence: missense variant.
Genome position (GRCh38, 1-based): chr19:4,544,479, T>C on the plus strand (A>G on the coding strand, the complement: SEMA6B is on the minus strand). VCF-style: chr19-4544479-T-C. GRCh37 (hg19) VCF-style: chr19-4544491-T-C.
Other names: short protein forms N597D.
Identifiers: ClinVar variation 3355627 (VCV003355627.1).
Genomic context (GRCh38, chr19:4,544,479, plus strand): 5'-TGAAGCCGGACACCACGGCTCCCACCACGAAGGCCGCCACCGACGACGTTACCAGCAGGT[T>C]CACCGACACCAGCCCCGCGCGGTCCTCGGAGAGGCTGGCCCGCAGGAGTCCTGGCCGGGG-3'
Protein context (NP_115484.2, residues 587-607): SEDRAGLVSV[Asn597Asp]LLVTSSVAAF

ClinVar aggregate classification (germline): Uncertain significance (0 of 4 stars; one submission).

Conditions:
SEMA6B-related disorder. Also called: SEMA6B-related condition.

Submission:

PreventionGenetics, part of Exact Sciences
Classification: Uncertain significance for SEMA6B-related condition. Last evaluated: 2024-03-13. Review status: no assertion criteria provided. Collection method: clinical testing. Allele origin: germline.
Comment: The SEMA6B c.1789A>G variant is predicted to result in the amino acid substitution p.Asn597Asp. To our knowledge, this variant has not been reported in the literature or in a large population database, indicating this variant is rare. At this time, the clinical significance of this variant is uncertain due to the absence of conclusive functional and genetic evidence.